The following is an entry in ClinVar:

NM_006258.4(PRKG1):c.1092G>A (p.Ala364=)

Gene: PRKG1 (protein kinase cGMP-dependent 1; plus strand). Cytogenetic location: 10q21.1.
Variant type: single nucleotide variant.
Coding change: c.1092G>A on transcript NM_006258.4 (MANE Select); coding-DNA position 1092, G replaced by A.
Protein change: p.Ala364=; no amino-acid change (alanine 364 retained).
Molecular consequence: synonymous variant.
Genome position (GRCh38, 1-based): chr10:52,251,585, G>A. VCF-style: chr10-52251585-G-A. GRCh37 (hg19) VCF-style: chr10-54011345-G-A.
Other names: p.Ala364=; c.1047G>A, p.Ala349= (LRG_1135t2, NM_001098512.3); c.1092G>A, p.Ala364= (LRG_1135t1).
Identifiers: ClinVar variation 477772 (VCV000477772.33), dbSNP rs373675576, ClinGen allele CA5503760.
Genomic context (GRCh38, chr10:52,251,585, plus strand): 5'-TTGCACCTCTAAGAAATTTCCATTTTTTCACATCAAAAAATCCAGATATGAAGCTGAAGC[G>A]GCTTTCTTCGCCAACCTGAAGCTGTCTGATTTCAACATCATTGATACCCTTGGAGTTGGA-3'
Protein context (NP_006249.1, residues 354-374): AEAKAKYEAE[Ala364=]AFFANLKLSD

ClinVar aggregate classification (germline): Likely benign. Review status: criteria provided, multiple submitters, no conflicts (2 of 4 stars). 5 submissions from 5 submitters: Likely benign (4). 1 of the submissions does not count toward it. Last evaluated 2026-01-12.

Conditions:
Aortic aneurysm, familial thoracic 8 (AAT8). Identifiers: MedGen C3809513, MONDO:0014187, OMIM 615436.
Familial thoracic aortic aneurysm and aortic dissection (TAAD). Also called: Thoracic aortic aneurysms and dissections. Identifiers: Orphanet 91387, MedGen C4707243, MONDO:0019625.
PRKG1-related disorder. Also called: PRKG1-related condition.

Allele frequency attached by ClinVar (database versions not stated): gnomAD 0.00007; ESP Exome Variant Server 0.00008; TOPMed 0.00010.
gnomAD v4.1: 65 of 1,613,172 alleles (0.004%); highest among the groups gnomAD compares: Non-Finnish European, 0.005%; no homozygotes.

Submissions (5):

Labcorp Genetics (formerly Invitae), Labcorp
Classification: Likely benign for Aortic aneurysm, familial thoracic 8. Last evaluated: 2026-01-12. Review status: criteria provided, single submitter. Criteria: Invitae Variant Classification Sherloc (09022015). Collection method: clinical testing. Allele origin: germline.

Mayo Clinic Laboratories, Mayo Clinic
Classification: Likely benign. Last evaluated: 2025-09-18. Review status: criteria provided, single submitter. Criteria: ACMG Guidelines, 2015. Collection method: clinical testing. Allele origin: germline. Observed: 1 variant allele.
Comment: BP4, BP7

GeneDx
Classification: Likely benign. Last evaluated: 2023-05-17. Review status: criteria provided, single submitter. Criteria: GeneDx Variant Classification Process June 2021. Collection method: clinical testing. Allele origin: germline. Affected: yes.
Comment: See Variant Classification Assertion Criteria.

Ambry Genetics
Classification: Likely benign for Familial thoracic aortic aneurysm and aortic dissection. Last evaluated: 2016-01-08. Review status: criteria provided, single submitter. Criteria: Ambry Variant Classification Scheme 2023. Collection method: clinical testing. Allele origin: germline.

PreventionGenetics, part of Exact Sciences
Classification: Likely benign for PRKG1-related condition. Last evaluated: 2019-03-04. Review status: no assertion criteria provided. Collection method: clinical testing. Allele origin: germline. Not counted in ClinVar's aggregate classification.
Comment: This variant is classified as likely benign based on ACMG/AMP sequence variant interpretation guidelines (Richards et al. 2015 PMID: 25741868, with internal and published modifications).